The following is an entry in ClinVar:

NM_020435.4(GJC2):c.483_492del (p.Ala162fs)

Gene: GJC2 (gap junction protein gamma 2; plus strand). Cytogenetic location: 1q42.13.
Variant type: Deletion.
Coding change: c.483_492del on transcript NM_020435.4 (MANE Select); coding-DNA positions 483 to 492, 10 bases deleted (AGCCGAGGGC; older notation c.483_492delAGCCGAGGGC).
Protein change: p.Ala162fs; shifts the reading frame from alanine 162.
Molecular consequence: frameshift variant.
Genome position (GRCh38, 1-based): chr1:228,158,241-228,158,250, AGCCGAGGGC deleted; deleting any 10 consecutive bases within chr1:228,158,237-228,158,250 gives the same sequence; the c. name uses the placement nearest the transcript's 3' end. VCF-style (leftmost placement, unchanged base first): chr1-228158236-GGGGCAGCCGA-G. GRCh37 (hg19) VCF-style: chr1-228345937-GGGGCAGCCGA-G.
Other names: short protein forms A162fs.
Identifiers: ClinVar variation 3362315 (VCV003362315.3).

ClinVar aggregate classification (germline): Likely pathogenic (1 of 4 stars; one submission).

Conditions:
Leukodystrophy, hypomyelinating, 2. Also called: PELIZAEUS-MERZBACHER-LIKE DISEASE, 1. Identifiers: Orphanet 280270, Orphanet 280282, MedGen C1837355, MONDO:0012125, OMIM 608804.

Submission:

Neuberg Centre For Genomic Medicine, NCGM
Classification: Likely pathogenic for Leukodystrophy, hypomyelinating, 2. Last evaluated: 2023-05-20. Review status: criteria provided, single submitter. Criteria: ACMG Guidelines, 2015. Collection method: clinical testing. Allele origin: germline. Inheritance: Autosomal recessive inheritance. Affected: yes.
Comment: The missense variant c.483_492del(p.Ala162ProfsTer45) in GJC2 gene has not been reported previously as a pathogenic variant nor as a benign variant, to our knowledge. This variant is absent in gnomAD exomes database. This variant has not been submitted to the ClinVar database. This variant causes a frameshift starting with codon Alanine 162, changes this amino acid to Proline residue, and creates a premature Stop codon at position 45 of the new reading frame, denoted p.Ala162ProfsTer45. This variant is predicted to cause loss of normal protein function through protein truncation. Loss of function variants have been previously reported to be disease causing. For these reasons, this variant has been classified as Likely Pathogenic.